The following is an entry in ClinVar:

NM_004973.4(JARID2):c.2934G>T (p.Met978Ile)

Gene: JARID2 (jumonji and AT-rich interaction domain containing 2; plus strand). Cytogenetic location: 6p22.3.
Variant type: single nucleotide variant.
Coding change: c.2934G>T on transcript NM_004973.4 (MANE Select); coding-DNA position 2934, G replaced by T.
Protein change: p.Met978Ile; replaces methionine 978 with isoleucine.
Molecular consequence: missense variant.
Genome position (GRCh38, 1-based): chr6:15,511,383, G>T. VCF-style: chr6-15511383-G-T. GRCh37 (hg19) VCF-style: chr6-15511614-G-T.
Other names: c.2418G>T, p.Met806Ile (NM_001267040.1); short protein forms M806I, M978I.
Identifiers: ClinVar variation 4056509 (VCV004056509.1).

ClinVar aggregate classification (germline): Uncertain significance (1 of 4 stars; one submission).

Conditions:
Developmental delay with variable intellectual disability and dysmorphic facies. Identifiers: MedGen C5774242, MONDO:0859306, OMIM 620098.

Submission:

Laboratorio de Genetica e Diagnostico Molecular, Hospital Israelita Albert Einstein
Classification: Uncertain significance for Developmental delay with variable intellectual disability and dysmorphic facies. Last evaluated: 2025-05-19. Review status: criteria provided, single submitter. Criteria: ACMG Guidelines, 2015. Collection method: clinical testing. Allele origin: germline. Affected: yes.
Comment: ACMG classification criteria: PM2 supporting, PP2 supporting